The following is an entry in ClinVar:

ClinVar aggregate classification (germline): Pathogenic (1 of 4 stars; one submission).

Conditions:
Alagille syndrome due to a JAG1 point mutation. Also called: JAG1-Related Alagille Syndrome; HEPATIC DUCTULAR HYPOPLASIA, SYNDROMATIC; Alagille Syndrome 1. Identifiers: Orphanet 261619, Orphanet 52, MedGen C1956125, MONDO:0016862, OMIM 118450.

Submission:

Labcorp Genetics (formerly Invitae), Labcorp
Classification: Pathogenic for Alagille syndrome due to a JAG1 point mutation. Last evaluated: 2023-01-03. Review status: criteria provided, single submitter. Criteria: Invitae Variant Classification Sherloc (09022015). Collection method: clinical testing. Allele origin: germline.
Comment: This sequence change creates a premature translational stop signal (p.Gln254*) in the JAG1 gene. It is expected to result in an absent or disrupted protein product. Loss-of-function variants in JAG1 are known to be pathogenic (PMID: 11180599). This variant is not present in population databases (gnomAD no frequency). This variant has not been reported in the literature in individuals affected with JAG1-related conditions. For these reasons, this variant has been classified as Pathogenic.

Literature cited by the submitters: PubMed 11180599.

NM_000214.3(JAG1):c.760C>T (p.Gln254Ter)

Gene: JAG1 (jagged canonical Notch ligand 1; minus strand). Cytogenetic location: 20p12.2.
Variant type: single nucleotide variant.
Coding change: c.760C>T on transcript NM_000214.3 (MANE Select); coding-DNA position 760, C replaced by T.
Protein change: p.Gln254Ter; replaces glutamine 254 with a stop codon.
Molecular consequence: nonsense.
Genome position (GRCh38, 1-based): chr20:10,652,594, G>A on the plus strand (C>T on the coding strand, the complement: JAG1 is on the minus strand). VCF-style: chr20-10652594-G-A. GRCh37 (hg19) VCF-style: chr20-10633242-G-A.
Other names: short protein forms Q254*.
Identifiers: ClinVar variation 2826155 (VCV002826155.3), dbSNP rs2514521818, ClinGen allele CA408239482.
Genomic context (GRCh38, chr20:10,652,594, plus strand): 5'-CGTGGACGCATCCCGGGTGTGGGATGCACTTATCACAGTACAGGCCTTGCCAGCCGTACT[G>A]GCACCTGGAGACACACAGCACACCTCCAGGTTAGCCTTTTGAACGTTAAGAGACACCTGT-3'